The following is an entry in ClinVar:

NM_002292.4(LAMB2):c.3928A>C (p.Thr1310Pro)

Gene: LAMB2 (laminin subunit beta 2; minus strand). Cytogenetic location: 3p21.31.
Variant type: single nucleotide variant.
Coding change: c.3928A>C on transcript NM_002292.4 (MANE Select); coding-DNA position 3928, A replaced by C.
Protein change: p.Thr1310Pro; replaces threonine 1310 with proline.
Molecular consequence: missense variant.
Genome position (GRCh38, 1-based): chr3:49,123,501, T>G on the plus strand (A>C on the coding strand, the complement: LAMB2 is on the minus strand). VCF-style: chr3-49123501-T-G. GRCh37 (hg19) VCF-style: chr3-49160934-T-G.
Other names: short protein forms T1310P.
Identifiers: ClinVar variation 1403016 (VCV001403016.6), dbSNP rs2045374454, ClinGen allele CA352698963.

ClinVar aggregate classification (germline): Uncertain significance (1 of 4 stars; one submission).

Conditions:
Pierson syndrome. Also called: MICROCORIA-CONGENITAL NEPHROTIC SYNDROME. Identifiers: Orphanet 2670, MedGen C1836876, MONDO:0012184, OMIM 609049.
LAMB2-related infantile-onset nephrotic syndrome. Also called: Nephrotic Syndrome, type 5; NEPHROTIC SYNDROME, TYPE 5, WITHOUT OCULAR ABNORMALITIES; NEPHROTIC SYNDROME, TYPE 5, WITH OCULAR ABNORMALITIES. Identifiers: Orphanet 306507, MedGen C3280113, MONDO:0013621, OMIM 614199.

Allele frequency attached by ClinVar (database versions not stated): TOPMed below 0.00001.

Submission:

Labcorp Genetics (formerly Invitae), Labcorp
Classification: Uncertain significance for LAMB2-related infantile-onset nephrotic syndrome; Pierson syndrome. Last evaluated: 2022-03-08. Review status: criteria provided, single submitter. Criteria: Invitae Variant Classification Sherloc (09022015). Collection method: clinical testing. Allele origin: germline.
Comment: This variant is not present in population databases (gnomAD no frequency). This sequence change replaces threonine, which is neutral and polar, with proline, which is neutral and non-polar, at codon 1310 of the LAMB2 protein (p.Thr1310Pro). This variant has not been reported in the literature in individuals affected with LAMB2-related conditions. In summary, the available evidence is currently insufficient to determine the role of this variant in disease. Therefore, it has been classified as a Variant of Uncertain Significance. Algorithms developed to predict the effect of missense changes on protein structure and function are either unavailable or do not agree on the potential impact of this missense change (SIFT: "Deleterious"; PolyPhen-2: "Probably Damaging"; Align-GVGD: "Class C0").